The following is an entry in ClinVar:

ClinVar aggregate classification (germline): Uncertain significance. Review status: criteria provided, multiple submitters, no conflicts (2 of 4 stars). 2 submissions from 2 submitters: Uncertain significance (2). Last evaluated 2025-04-23.

Conditions:
Hereditary cancer-predisposing syndrome. Also called: Neoplastic Syndromes, Hereditary; Hereditary Cancer Syndrome; Tumor predisposition; Hereditary neoplastic syndrome. Identifiers: Orphanet 140162, MedGen C0027672, MeSH D009386, MONDO:0015356.

Allele frequency attached by ClinVar (database versions not stated): gnomAD exomes below 0.00001.
gnomAD v4.1: 2 of 1,572,432 alleles (0.00013%); highest among the groups gnomAD compares: Non-Finnish European, 0.00017%; no homozygotes.

Submissions (2):

Ambry Genetics
Classification: Uncertain significance for Hereditary cancer-predisposing syndrome. Last evaluated: 2025-04-23. Review status: criteria provided, single submitter. Criteria: Ambry Variant Classification Scheme 2023. Collection method: clinical testing. Allele origin: germline.
Comment: The c.93+5C>A intronic variant results from a C to A substitution 5 nucleotides after coding exon 1 in the SMARCB1 gene. This nucleotide position is well conserved in available vertebrate species. In silico splice site analysis predicts that this alteration will not have any significant effect on splicing. Based on the available evidence, the clinical significance of this variant remains unclear.

Labcorp Genetics (formerly Invitae), Labcorp
Classification: Uncertain significance. Last evaluated: 2022-12-30. Review status: criteria provided, single submitter. Criteria: Invitae Variant Classification Sherloc (09022015). Collection method: clinical testing. Allele origin: germline.
Comment: This variant is not present in population databases (gnomAD no frequency). This sequence change falls in intron 1 of the SMARCB1 gene. It does not directly change the encoded amino acid sequence of the SMARCB1 protein. It affects a nucleotide within the consensus splice site. This variant has not been reported in the literature in individuals affected with SMARCB1-related conditions. In summary, the available evidence is currently insufficient to determine the role of this variant in disease. Therefore, it has been classified as a Variant of Uncertain Significance. Variants that disrupt the consensus splice site are a relatively common cause of aberrant splicing (PMID: 17576681, 9536098). Algorithms developed to predict the effect of sequence changes on RNA splicing suggest that this variant is not likely to affect RNA splicing.

Literature cited by the submitters: PubMed 17576681 (cited by Labcorp Genetics (formerly Invitae), Labcorp); PubMed 9536098 (cited by Labcorp Genetics (formerly Invitae), Labcorp).

NM_003073.5(SMARCB1):c.93+5C>A

Gene: SMARCB1 (SWI/SNF related BAF chromatin remodeling complex subunit B1; plus strand). Cytogenetic location: 22q11.23.
Variant type: single nucleotide variant.
Coding change: c.93+5C>A on transcript NM_003073.5 (MANE Select); 5 bases into the intron after coding-DNA position 93, C replaced by A.
Molecular consequence: intron variant.
Genome position (GRCh38, 1-based): chr22:23,787,267, C>A. VCF-style: chr22-23787267-C-A. GRCh37 (hg19) VCF-style: chr22-24129454-C-A.
Other names: c.93+5C>A (NM_001362877.2, NM_001317946.2, NM_001007468.3 and 1 more transcripts).
Identifiers: ClinVar variation 2920528 (VCV002920528.4), dbSNP rs1928049801, ClinGen allele CA2655698789.